The following is an entry in ClinVar:

NM_006904.7(PRKDC):c.2252C>T (p.Ala751Val)

Gene: PRKDC (protein kinase, DNA-activated, catalytic subunit; minus strand). Cytogenetic location: 8q11.21.
Variant type: single nucleotide variant.
Coding change: c.2252C>T on transcript NM_006904.7 (MANE Select); coding-DNA position 2252, C replaced by T.
Protein change: p.Ala751Val; replaces alanine 751 with valine.
Molecular consequence: missense variant.
Genome position (GRCh38, 1-based): chr8:47,927,778, G>A on the plus strand (C>T on the coding strand, the complement: PRKDC is on the minus strand). VCF-style: chr8-47927778-G-A. GRCh37 (hg19) VCF-style: chr8-48840338-G-A.
Other names: c.2252C>T, p.Ala751Val (NM_001081640.2); short protein forms A751V.
Identifiers: ClinVar variation 2626336 (VCV002626336.2), dbSNP rs2551878277, ClinGen allele CA371162398.
Genomic context (GRCh38, chr8:47,927,778, plus strand): 5'-TCTGGGACTCACAACAGCGATGAAGAGATGGCTCTGTTCAAGACAACGCCTACCTGCAGT[G>A]CAGGAACGTAGGCTCTAACATCGAGTTCAATGATGTTGTGTGGCAAGGACAGAAGAAAGG-3'
Protein context (NP_008835.5, residues 741-761): IELDVRAYVP[Ala751Val]LQMAFKLGLS

ClinVar aggregate classification (germline): Uncertain significance (1 of 4 stars; one submission).

Allele frequency attached by ClinVar (database versions not stated): gnomAD exomes below 0.00001.
gnomAD v4.1: 4 of 1,555,918 alleles (0.00026%); highest among the groups gnomAD compares: Non-Finnish European, 0.00035%; no homozygotes.

Submission:

Ambry Genetics
Classification: Uncertain significance. Last evaluated: 2023-07-26. Review status: criteria provided, single submitter. Criteria: Ambry Variant Classification Scheme 2023. Collection method: clinical testing. Allele origin: germline.
Comment: The p.A751V variant (also known as c.2252C>T), located in coding exon 20 of the PRKDC gene, results from a C to T substitution at nucleotide position 2252. The alanine at codon 751 is replaced by valine, an amino acid with similar properties. This amino acid position is conserved. In addition, this alteration is predicted to be tolerated by in silico analysis. Since supporting evidence is limited at this time, the clinical significance of this alteration remains unclear.